The following is an entry in ClinVar:

ClinVar aggregate classification (germline): Pathogenic (1 of 4 stars; one submission).

Conditions:
Very long chain acyl-CoA dehydrogenase deficiency (ACADVLD). Also called: VLCAD Deficiency; Very Long-Chain Acyl-Coenzyme A Dehydrogenase Deficiency. Identifiers: Orphanet 26793, MedGen C3887523, MONDO:0008723, OMIM 201475.

Submission:

Labcorp Genetics (formerly Invitae), Labcorp
Classification: Pathogenic for Very long chain acyl-CoA dehydrogenase deficiency. Last evaluated: 2023-09-10. Review status: criteria provided, single submitter. Criteria: Invitae Variant Classification Sherloc (09022015). Collection method: clinical testing. Allele origin: germline.
Comment: For these reasons, this variant has been classified as Pathogenic. This variant has not been reported in the literature in individuals affected with ACADVL-related conditions. This variant is not present in population databases (gnomAD no frequency). This sequence change creates a premature translational stop signal (p.Ser183Glufs*70) in the ACADVL gene. It is expected to result in an absent or disrupted protein product. Loss-of-function variants in ACADVL are known to be pathogenic (PMID: 9973285, 11590124).

Literature cited by the submitters: PubMed 9973285; PubMed 11590124.

NM_000018.4(ACADVL):c.545dup (p.Ser183fs)

Gene: ACADVL (acyl-CoA dehydrogenase very long chain; plus strand). Cytogenetic location: 17p13.1.
Variant type: Duplication.
Coding change: c.545dup on transcript NM_000018.4 (MANE Select); coding-DNA position 545, one base duplicated (A; older notation c.545dupA).
Protein change: p.Ser183fs; shifts the reading frame from serine 183.
Molecular consequence: frameshift variant.
Genome position (GRCh38, 1-based): chr17:7,221,605, A duplicated. VCF-style (leftmost placement, unchanged base first): chr17-7221604-C-CA. GRCh37 (hg19) VCF-style: chr17-7124923-C-CA.
Other names: c.479dup, p.Ser161fs (NM_001033859.3); c.614dup, p.Ser206fs (NM_001270447.2); c.317dup, p.Ser107fs (NM_001270448.2); short protein forms S183fs, S107fs, S161fs, S206fs.
Identifiers: ClinVar variation 2794091 (VCV002794091.3), dbSNP rs2508283200, ClinGen allele CA2739267097.